The following is an entry in ClinVar:

NM_001943.5(DSG2):c.523+20T>C

Gene: DSG2 (desmoglein 2; plus strand). Cytogenetic location: 18q12.1.
Variant type: single nucleotide variant.
Coding change: c.523+20T>C on transcript NM_001943.5 (MANE Select); 20 bases into the intron after coding-DNA position 523, T replaced by C.
Molecular consequence: intron variant.
Genome position (GRCh38, 1-based): chr18:31,521,263, T>C. VCF-style: chr18-31521263-T-C. GRCh37 (hg19) VCF-style: chr18-29101226-T-C.
Identifiers: ClinVar variation 188449 (VCV000188449.10), dbSNP rs775127367, ClinGen allele CA022144.

ClinVar aggregate classification (germline): Likely benign. Review status: criteria provided, multiple submitters, no conflicts (2 of 4 stars). 4 submissions from 4 submitters: Likely benign (4). Last evaluated 2026-01-13.

Conditions:
Dilated cardiomyopathy 1BB (CMD1BB). Also called: CARDIOMYOPATHY, DILATED, 1BB, SUSCEPTIBILITY TO. Identifiers: Orphanet 154, MedGen C2752072, MONDO:0013030, OMIM 612877.
Arrhythmogenic right ventricular dysplasia 10. Also called: ARRHYTHMOGENIC RIGHT VENTRICULAR DYSPLASIA, FAMILIAL, 10; Arrhythmogenic Right Ventricular Dysplasia/Cardiomyopathy10; Arrhythmogenic right ventricular dysplasia/cardiomyopathy, type 10. Identifiers: MedGen C1857777, MONDO:0012434, OMIM 610193.

Allele frequency attached by ClinVar (database versions not stated): TOPMed 0.00007; gnomAD exomes 0.00008; gnomAD 0.00009 and 0.00010; ExAC 0.00014.
gnomAD v4.1: 124 of 1,593,212 alleles (0.0078%); highest among the groups gnomAD compares: South Asian, 0.019%; no homozygotes.

Submissions (4):

Labcorp Genetics (formerly Invitae), Labcorp
Classification: Likely benign for Arrhythmogenic right ventricular dysplasia 10. Last evaluated: 2026-01-13. Review status: criteria provided, single submitter. Criteria: Invitae Variant Classification Sherloc (09022015). Collection method: clinical testing. Allele origin: germline.

Blueprint Genetics
Classification: Likely benign. Last evaluated: 2024-03-08. Review status: criteria provided, single submitter. Criteria: ACMG Guidelines, 2015. Collection method: clinical testing. Allele origin: germline.

Fulgent Genetics
Classification: Likely benign for Arrhythmogenic right ventricular dysplasia 10; Dilated cardiomyopathy 1BB. Last evaluated: 2021-08-11. Review status: criteria provided, single submitter. Criteria: ACMG Guidelines, 2015. Collection method: clinical testing. Allele origin: unknown.

GeneDx
Classification: Likely benign. Last evaluated: 2017-10-02. Review status: criteria provided, single submitter. Criteria: GeneDx Variant Classification (06012015). Collection method: clinical testing. Allele origin: germline. Affected: yes.
Comment: This variant is considered likely benign or benign based on one or more of the following criteria: it is a conservative change, it occurs at a poorly conserved position in the protein, it is predicted to be benign by multiple in silico algorithms, and/or has population frequency not consistent with disease.